The following is an entry in ClinVar:

ClinVar aggregate classification (germline): Uncertain significance (1 of 4 stars; one submission).

Conditions:
Rhabdoid tumor predisposition syndrome 2 (RTPS2). Identifiers: Orphanet 231108, Orphanet 69077, MedGen C2750074, MONDO:0013224, OMIM 613325.

Submission:

Labcorp Genetics (formerly Invitae), Labcorp
Classification: Uncertain significance for Rhabdoid tumor predisposition syndrome 2. Last evaluated: 2024-01-13. Review status: criteria provided, single submitter. Criteria: Invitae Variant Classification Sherloc (09022015). Collection method: clinical testing. Allele origin: germline.
Comment: This sequence change replaces methionine, which is neutral and non-polar, with leucine, which is neutral and non-polar, at codon 781 of the SMARCA4 protein (p.Met781Leu). This variant is not present in population databases (gnomAD no frequency). This variant has not been reported in the literature in individuals affected with SMARCA4-related conditions. Advanced modeling of protein sequence and biophysical properties (such as structural, functional, and spatial information, amino acid conservation, physicochemical variation, residue mobility, and thermodynamic stability) performed at Invitae indicates that this missense variant is expected to disrupt SMARCA4 protein function with a positive predictive value of 95%. In summary, the available evidence is currently insufficient to determine the role of this variant in disease. Therefore, it has been classified as a Variant of Uncertain Significance.

NM_003072.5(SMARCA4):c.2341A>T (p.Met781Leu)

Gene: SMARCA4 (SWI/SNF related BAF chromatin remodeling complex subunit ATPase 4; plus strand). Cytogenetic location: 19p13.2.
Variant type: single nucleotide variant.
Coding change: c.2341A>T on transcript NM_003072.5 (MANE Select); coding-DNA position 2341, A replaced by T.
Protein change: p.Met781Leu; replaces methionine 781 with leucine.
Molecular consequence: missense variant. On other transcripts: non-coding transcript variant (1).
Genome position (GRCh38, 1-based): chr19:11,013,015, A>T. VCF-style: chr19-11013015-A-T. GRCh37 (hg19) VCF-style: chr19-11123691-A-T.
Other names: c.2341A>T, p.Met781Leu (NM_001128844.3, NM_001128845.2, NM_001128846.2 and 6 more transcripts); short protein forms M781L.
Identifiers: ClinVar variation 2709210 (VCV002709210.3), dbSNP rs2146278714, ClinGen allele CA404053147.